The following is an entry in ClinVar:

NM_007294.4(BRCA1):c.2989_2990dup (p.Asn997fs)

Gene: BRCA1 (BRCA1 DNA repair associated; minus strand). Cytogenetic location: 17q21.31.
Variant type: Duplication.
Coding change: c.2989_2990dup on transcript NM_007294.4 (MANE Select); coding-DNA positions 2989 to 2990, 2 bases duplicated (AA; older notation c.2989_2990dupAA).
Protein change: p.Asn997fs; shifts the reading frame from asparagine 997.
Molecular consequence: frameshift variant. On other transcripts: intron variant (137).
Genome position (GRCh38, 1-based): chr17:43,092,541-43,092,542, TT duplicated on the plus strand (AA on the coding strand, the reverse complement: BRCA1 is on the minus strand); duplicating any 2 consecutive bases within chr17:43,092,541-43,092,545 gives the same sequence; the c. name uses the placement nearest the transcript's 3' end. VCF-style (leftmost placement, unchanged base first): chr17-43092540-A-ATT. GRCh37 (hg19) VCF-style: chr17-41244557-A-ATT.
Other names: 3109insAA; c.2989_2990dupAA (NM_007294.3); c.2866_2867dup, p.Asn956fs (NM_001407669.1, NM_001407674.1, NM_001407675.1 and 19 more transcripts); c.2863_2864dup, p.Asn955fs (NM_001407670.1, NM_001407671.1, NM_001407672.1 and 11 more transcripts); c.2989_2990dup, p.Asn997fs (NM_001407684.1, NM_001407854.1, NM_001407858.1 and 30 more transcripts); c.2848_2849dup, p.Asn950fs (NM_001407692.1, NM_001407694.1, NM_001407695.1 and 29 more transcripts); c.2845_2846dup, p.Asn949fs (NM_001407740.1, NM_001407741.1, NM_001407742.1 and 20 more transcripts); c.2776_2777dup, p.Asn926fs (NM_001407853.1, NM_001407894.1, NM_001407895.1 and 9 more transcripts); and 43 more; short protein forms N997fs, N950fs, N869fs, N926fs, N929fs, N970fs, N885fs, N886fs.
Identifiers: ClinVar variation 54738 (VCV000054738.36), dbSNP rs80357829, ClinGen allele CA001942.

ClinVar aggregate classification (germline): Pathogenic. Review status: reviewed by expert panel (3 of 4 stars). 22 submissions from 22 submitters: Pathogenic (1). 21 of the submissions do not count toward it. Last evaluated 2016-09-08.

Conditions:
BRCA1-related cancer predisposition. Identifiers: MedGen CN377757, MONDO:0700268.
Hereditary cancer-predisposing syndrome. Also called: Tumor predisposition; Neoplastic Syndromes, Hereditary; Hereditary Cancer Syndrome; Hereditary neoplastic syndrome. Identifiers: Orphanet 140162, MedGen C0027672, MeSH D009386, MONDO:0015356.
Hereditary breast ovarian cancer syndrome. Also called: Hereditary breast and ovarian cancer syndrome (HBOC); Hereditary breast and ovarian cancer syndrome; Hereditary breast and ovarian cancer; Hereditary breast and/or ovarian cancer syndrome; Breast and ovarian cancer; BRCA1- and BRCA2-Associated Hereditary Breast and Ovarian Cancer. Identifiers: Orphanet 145, MedGen C0677776, MeSH D061325, MONDO:0003582. Disease mechanism: loss of function.
Breast-ovarian cancer, familial, susceptibility to, 1 (BROVCA1). Also called: OVARIAN CANCER, SUSCEPTIBILITY TO; BRCA1 Hereditary Breast and Ovarian Cancer. Identifiers: Orphanet 145, MedGen C2676676, MONDO:0011450, OMIM 604370. Disease mechanism: loss of function.

Submissions 1 to 10 of 22:

Evidence-based Network for the Interpretation of Germline Mutant Alleles (ENIGMA)
Classification: Pathogenic for Breast-ovarian cancer, familial, susceptibility to, 1. Last evaluated: 2016-09-08. Review status: reviewed by expert panel. Criteria: ENIGMA BRCA1/2 Classification Criteria (2015). Collection method: curation. Allele origin: germline.
Comment: Variant allele predicted to encode a truncated non-functional protein.

Institute of Human Genetics, University of Leipzig Medical Center
Classification: Pathogenic for Breast-ovarian cancer, familial, susceptibility to, 1. Last evaluated: 2025-06-10. Review status: criteria provided, single submitter. Criteria: ACMG Guidelines, 2015. Collection method: clinical testing. Allele origin: unknown. Inheritance: Autosomal dominant inheritance. Affected: yes. Not counted in ClinVar's aggregate classification.
Comment: Criteria applied: PVS1,PM5_STR,PM2_SUP

Center for Genomic Medicine, Rigshospitalet, Copenhagen University Hospital
Classification: Pathogenic. Last evaluated: 2025-03-04. Review status: criteria provided, single submitter. Criteria: ACMG Guidelines, 2015. Collection method: clinical testing. Allele origin: germline. Not counted in ClinVar's aggregate classification.

All of Us Research Program, National Institutes of Health
Classification: Pathogenic for BRCA1-related cancer predisposition. Last evaluated: 2024-09-03. Review status: criteria provided, single submitter. Criteria: ACMG Guidelines, 2015. Collection method: clinical testing. Allele origin: germline. Inheritance: Autosomal dominant inheritance. Observed: 2 variant alleles, 2 heterozygotes. Not counted in ClinVar's aggregate classification.
Comment: This variant inserts 2 nucleotides in exon 10 of the BRCA1 gene, creating a frameshift and premature translation stop signal. This variant is expected to result in an absent or non-functional protein product. This variant has been reported in individuals affected with ovarian cancer (PMID: 24728189, 24504028, 32199636), and has been identified in high risk breast and ovarian cancer families (PMID: 9150151, 10188893, 16287141, 16683254, 29339979). This variant has not been identified in the general population by the Genome Aggregation Database (gnomAD). Loss of BRCA1 function is a known mechanism of disease. Based on the available evidence, this variant is classified as Pathogenic.

This study involves interpretation of variants in research participants for the purpose of population health screening. Participant phenotype was not available at the time of variant classification. Additional details can be found in publication PMID: 35346344, PMCID: PMC8962531

Labcorp Genetics (formerly Invitae), Labcorp
Classification: Pathogenic for Hereditary breast ovarian cancer syndrome. Last evaluated: 2024-07-11. Review status: criteria provided, single submitter. Criteria: Invitae Variant Classification Sherloc (09022015). Collection method: clinical testing. Allele origin: germline. Not counted in ClinVar's aggregate classification.
Comment: This sequence change creates a premature translational stop signal (p.Asn997Lysfs*4) in the BRCA1 gene. It is expected to result in an absent or disrupted protein product. Loss-of-function variants in BRCA1 are known to be pathogenic (PMID: 20104584). This variant is not present in population databases (gnomAD no frequency). This premature translational stop signal has been observed in individual(s) with breast and/or ovarian cancer (PMID: 9150151, 16287141, 16683254, 24504028). This variant is also known as 3109insAA. ClinVar contains an entry for this variant (Variation ID: 54738). For these reasons, this variant has been classified as Pathogenic.

Ambry Genetics
Classification: Pathogenic for Hereditary cancer-predisposing syndrome. Last evaluated: 2024-05-22. Review status: criteria provided, single submitter. Criteria: Ambry Variant Classification Scheme 2023. Collection method: clinical testing. Allele origin: germline. Not counted in ClinVar's aggregate classification.
Comment: The c.2989_2990dupAA pathogenic mutation, located in coding exon 9 of the BRCA1 gene, results from a duplication of AA at nucleotide position 2989, causing a translational frameshift with a predicted alternate stop codon (p.N997Kfs*4). This mutation has been reported in several breast and/or ovarian cancer families in the literature (Peelen T, Am. J. Hum. Genet. 1997 May; 60(5):1041-9; Ligtenberg MJ, Br. J. Cancer 1999 Mar; 79(9-10):1475-8; Cunningham, JM et al. Sci Rep. 2014 Feb 7;4:4026; Song H et al. Hum. Mol. Genet., 2014 Sep;23:4703-9; van Haaften C et al. Int. J. Gynecol. Cancer, 2017 Oct;27:1571-1578). This alteration is also referred to as c.2990_2991insAA and 3109insAA in published literature. In addition to the clinical data presented in the literature, this alteration is expected to result in loss of function by premature protein truncation or nonsense-mediated mRNA decay. As such, this alteration is interpreted as a disease-causing mutation.

Baylor Genetics
Classification: Pathogenic for Breast-ovarian cancer, familial, susceptibility to, 1. Last evaluated: 2024-03-05. Review status: criteria provided, single submitter. Criteria: ACMG Guidelines, 2015. Collection method: clinical testing. Allele origin: unknown. Not counted in ClinVar's aggregate classification.

Revvity Omics, Revvity
Classification: Pathogenic. Last evaluated: 2023-09-27. Review status: criteria provided, single submitter. Criteria: ACMG Guidelines, 2015. Collection method: clinical testing. Allele origin: germline. Not counted in ClinVar's aggregate classification.

Quest Diagnostics Nichols Institute San Juan Capistrano
Classification: Pathogenic. Last evaluated: 2023-06-06. Review status: criteria provided, single submitter. Criteria: Quest Diagnostics criteria. Collection method: clinical testing. Allele origin: unknown. Not counted in ClinVar's aggregate classification.
Comment: This variant alters the translational reading frame of the BRCA1 mRNA and causes the premature termination of BRCA1 protein synthesis. In the published literature, this variant has been reported in individuals with ovarian cancer (PMID: 24728189 (2014), 24504028 (2014)) and endometrial cancer (PMID: 31492746 (2019)). The variant has also been observed in multiple individuals/families with hereditary breast and/or ovarian cancer (PMID: 9150151 (1997), 29339979 (2018), 16683254 (2006), 16287141 (2005)). This variant has not been reported in large, multi-ethnic general populations (Genome Aggregation Database). Based on the available information, this variant is classified as pathogenic.

Color Diagnostics, LLC DBA Color Health
Classification: Pathogenic for Hereditary cancer-predisposing syndrome. Last evaluated: 2023-01-25. Review status: criteria provided, single submitter. Criteria: ACMG Guidelines, 2015. Collection method: clinical testing. Allele origin: germline. Not counted in ClinVar's aggregate classification.
Comment: This variant inserts 2 nucleotides in exon 10 of the BRCA1 gene, creating a frameshift and premature translation stop signal. This variant is expected to result in an absent or non-functional protein product. This variant has been reported in individuals affected with ovarian cancer (PMID: 24728189, 24504028, 32199636), and has been identified in high risk breast and ovarian cancer families (PMID: 9150151, 10188893, 16287141, 16683254, 29339979). This variant has not been identified in the general population by the Genome Aggregation Database (gnomAD). Loss of BRCA1 function is a known mechanism of disease. Based on the available evidence, this variant is classified as Pathogenic.